The following is an entry in ClinVar:

ClinVar aggregate classification (germline): Uncertain significance (1 of 4 stars; one submission).

Allele frequency attached by ClinVar (database versions not stated): gnomAD exomes below 0.00001; TOPMed below 0.00001; gnomAD 0.00001.
gnomAD v4.1: 2 of 1,611,204 alleles (0.00012%); highest among the groups gnomAD compares: African/African-American, 0.0027%; no homozygotes.

Submission:

Ambry Genetics
Classification: Uncertain significance. Last evaluated: 2022-10-24. Review status: criteria provided, single submitter. Criteria: Ambry Variant Classification Scheme 2023. Collection method: clinical testing. Allele origin: germline.
Comment: The p.S411I variant (also known as c.1232G>T), located in coding exon 11 of the BUB1 gene, results from a G to T substitution at nucleotide position 1232. The serine at codon 411 is replaced by isoleucine, an amino acid with dissimilar properties. This amino acid position is conserved. In addition, this alteration is predicted to be tolerated by in silico analysis. Since supporting evidence is limited at this time, the clinical significance of this alteration remains unclear.

NM_004336.5(BUB1):c.1232G>T (p.Ser411Ile)

Gene: BUB1 (BUB1 mitotic checkpoint serine/threonine kinase; minus strand). Cytogenetic location: 2q13.
Variant type: single nucleotide variant.
Coding change: c.1232G>T on transcript NM_004336.5 (MANE Select); coding-DNA position 1232, G replaced by T.
Protein change: p.Ser411Ile; replaces serine 411 with isoleucine.
Molecular consequence: missense variant.
Genome position (GRCh38, 1-based): chr2:110,660,022, C>A on the plus strand (G>T on the coding strand, the complement: BUB1 is on the minus strand). VCF-style: chr2-110660022-C-A. GRCh37 (hg19) VCF-style: chr2-111417599-C-A.
Other names: c.1172G>T, p.Ser391Ile (NM_001278616.2); c.1232G>T, p.Ser411Ile (NM_001278617.2); short protein forms S411I, S391I.
Identifiers: ClinVar variation 1755941 (VCV001755941.2), dbSNP rs1285251264, ClinGen allele CA348214124.